The following is an entry in ClinVar:

NM_138477.4(CDAN1):c.791A>C (p.Gln264Pro)

Gene: CDAN1 (codanin 1; minus strand). Cytogenetic location: 15q15.2.
Variant type: single nucleotide variant.
Coding change: c.791A>C on transcript NM_138477.4 (MANE Select); coding-DNA position 791, A replaced by C.
Protein change: p.Gln264Pro; replaces glutamine 264 with proline.
Molecular consequence: missense variant.
Genome position (GRCh38, 1-based): chr15:42,735,662, T>G on the plus strand (A>C on the coding strand, the complement: CDAN1 is on the minus strand). VCF-style: chr15-42735662-T-G. GRCh37 (hg19) VCF-style: chr15-43027860-T-G.
Other names: short protein forms Q264P.
Identifiers: ClinVar variation 2688739 (VCV002688739.5), dbSNP rs752641116, ClinGen allele CA7516269.

ClinVar aggregate classification (germline): Uncertain significance. Review status: criteria provided, multiple submitters, no conflicts (2 of 4 stars). 2 submissions from 2 submitters: Uncertain significance (2). Last evaluated 2024-05-06.

Conditions:
Anemia, congenital dyserythropoietic, type 1a (CDAN1A). Also called: DYSERYTHROPOIETIC ANEMIA, CONGENITAL, TYPE Ia; CDAN1-Related Congenital Dyserythropoietic Anemia. Identifiers: MedGen C5574667, MONDO:0009135, OMIM 224120.

Allele frequency attached by ClinVar (database versions not stated): ExAC 0.00001.
gnomAD v4.1: 9 of 1,614,078 alleles (0.00056%); highest among the groups gnomAD compares: South Asian, 0.0099%; no homozygotes.

Submissions (2):

Labcorp Genetics (formerly Invitae), Labcorp
Classification: Uncertain significance. Last evaluated: 2024-05-06. Review status: criteria provided, single submitter. Criteria: Invitae Variant Classification Sherloc (09022015). Collection method: clinical testing. Allele origin: germline.
Comment: This sequence change replaces glutamine, which is neutral and polar, with proline, which is neutral and non-polar, at codon 264 of the CDAN1 protein (p.Gln264Pro). This variant is present in population databases (rs752641116, gnomAD 0.006%). This variant has not been reported in the literature in individuals affected with CDAN1-related conditions. An algorithm developed to predict the effect of missense changes on protein structure and function (PolyPhen-2) suggests that this variant is likely to be tolerated. In summary, the available evidence is currently insufficient to determine the role of this variant in disease. Therefore, it has been classified as a Variant of Uncertain Significance.

Revvity Omics, Revvity
Classification: Uncertain significance for Anemia, congenital dyserythropoietic, type 1a. Last evaluated: 2023-02-06. Review status: criteria provided, single submitter. Criteria: ACMG Guidelines, 2015. Collection method: clinical testing. Allele origin: germline.